The following is an entry in ClinVar:

ClinVar aggregate classification (germline): Uncertain significance (1 of 4 stars; one submission).

Submission:

Labcorp Genetics (formerly Invitae), Labcorp
Classification: Uncertain significance. Last evaluated: 2020-08-06. Review status: criteria provided, single submitter. Criteria: Invitae Variant Classification Sherloc (09022015). Collection method: clinical testing. Allele origin: germline.
Comment: This sequence change disrupts the translational stop signal of the CDC45 mRNA. It is expected to extend the length of the CDC45 protein by 13 additional amino acid residues. This variant is not present in population databases (ExAC no frequency). This variant has not been reported in the literature in individuals with CDC45-related conditions. Experimental studies and prediction algorithms are not available or were not evaluated, and the functional significance of this variant is currently unknown. In summary, the available evidence is currently insufficient to determine the role of this variant in disease. Therefore, it has been classified as a Variant of Uncertain Significance.

NM_003504.5(CDC45):c.1700A>G (p.Ter567Trp)

Gene: CDC45 (cell division cycle 45; plus strand). Cytogenetic location: 22q11.21.
Variant type: single nucleotide variant.
Coding change: c.1700A>G on transcript NM_003504.5 (MANE Select); coding-DNA position 1700, A replaced by G.
Protein change: p.Ter567Trp.
Molecular consequence: stop lost. On other transcripts: non-coding transcript variant (1).
Genome position (GRCh38, 1-based): chr22:19,518,907, A>G. VCF-style: chr22-19518907-A-G. GRCh37 (hg19) VCF-style: chr22-19506430-A-G.
Other names: c.1796A>G, p.Ter599Trp (NM_001178010.2); c.1562A>G, p.Ter521Trp (NM_001178011.2); c.1664A>G, p.Ter555Trp (NM_001369291.1).
Identifiers: ClinVar variation 1053658 (VCV001053658.7), dbSNP rs2146453979, ClinGen allele CA410670229.
Genomic context (GRCh38, chr22:19,518,907, plus strand): 5'-TTGAGCTGAAAGCTGAGGATCGGAGCAAGTTTCTGGACGCACTTATTTCCCTCCTGTCCT[A>G]GGGTGAGTTACAGGGGTTCTGCAGGGGTGGCTGCAGCAGCCCCCTCAGAGCCCGACCCTG-3'